The following is an entry in ClinVar:

ClinVar aggregate classification (germline): Uncertain significance (1 of 4 stars; one submission).

Conditions:
NIK deficiency. Also called: Primary immunodeficiency with multifaceted aberrant lymphoid immunity. Identifiers: Orphanet 447731, MedGen C5680065, MONDO:0018642.

Submission:

Labcorp Genetics (formerly Invitae), Labcorp
Classification: Uncertain significance for NIK deficiency. Last evaluated: 2022-09-27. Review status: criteria provided, single submitter. Criteria: Invitae Variant Classification Sherloc (09022015). Collection method: clinical testing. Allele origin: germline.
Comment: This sequence change affects codon 607 of the MAP3K14 mRNA. It is a 'silent' change, meaning that it does not change the encoded amino acid sequence of the MAP3K14 protein. This variant also falls at the last nucleotide of exon 10, which is part of the consensus splice site for this exon. In summary, the available evidence is currently insufficient to determine the role of this variant in disease. Therefore, it has been classified as a Variant of Uncertain Significance. Variants that disrupt the consensus splice site are a relatively common cause of aberrant splicing (PMID: 17576681, 9536098). Algorithms developed to predict the effect of sequence changes on RNA splicing suggest that this variant may disrupt the consensus splice site. This variant has not been reported in the literature in individuals affected with MAP3K14-related conditions. This variant is not present in population databases (gnomAD no frequency).

Literature cited by the submitters: PubMed 17576681; PubMed 9536098.

NM_003954.5(MAP3K14):c.1821G>A (p.Lys607=)

Gene: MAP3K14 (mitogen-activated protein kinase kinase kinase 14; minus strand). Cytogenetic location: 17q21.31.
Variant type: single nucleotide variant.
Coding change: c.1821G>A on transcript NM_003954.5 (MANE Select); coding-DNA position 1821, G replaced by A.
Protein change: p.Lys607=; no amino-acid change (lysine 607 retained).
Molecular consequence: synonymous variant.
Genome position (GRCh38, 1-based): chr17:45,271,058, C>T on the plus strand (G>A on the coding strand, the complement: MAP3K14 is on the minus strand). VCF-style: chr17-45271058-C-T. GRCh37 (hg19) VCF-style: chr17-43348425-C-T.
Identifiers: ClinVar variation 2121097 (VCV002121097.4), dbSNP rs2508982285, ClinGen allele CA500359152.